The following is an entry in ClinVar:

NM_170606.3(KMT2C):c.13931T>G (p.Val4644Gly)

Gene: KMT2C (lysine methyltransferase 2C; minus strand). Cytogenetic location: 7q36.1.
Variant type: single nucleotide variant.
Coding change: c.13931T>G on transcript NM_170606.3 (MANE Select); coding-DNA position 13931, T replaced by G.
Protein change: p.Val4644Gly; replaces valine 4644 with glycine.
Molecular consequence: missense variant.
Genome position (GRCh38, 1-based): chr7:152,146,699, A>C on the plus strand (T>G on the coding strand, the complement: KMT2C is on the minus strand). VCF-style: chr7-152146699-A-C. GRCh37 (hg19) VCF-style: chr7-151843784-A-C.
Other names: c.13931T>G (NM_170606.2); short protein forms V4644G.
Identifiers: ClinVar variation 1662905 (VCV001662905.33), dbSNP rs142657994, ClinGen allele CA4578552.

ClinVar aggregate classification (germline): Likely benign. Review status: criteria provided, multiple submitters, no conflicts (2 of 4 stars). 4 submissions from 4 submitters: Likely benign (3). 1 of the submissions does not count toward it. Last evaluated 2025-02-24.

Conditions:
KMT2C-related disorder. Also called: KMT2C-related condition; KMT2C-related disorders.

Allele frequency attached by ClinVar (database versions not stated): 1000 Genomes Project 30x 0.00016; 1000 Genomes Project 0.00020; TOPMed 0.00021; gnomAD 0.00033 and 0.00035; ExAC 0.00036; gnomAD exomes 0.00036 and 0.00040; ESP Exome Variant Server 0.00038.
gnomAD v4.1: 575 of 1,614,068 alleles (0.036%); highest among the groups gnomAD compares: Non-Finnish European, 0.036%; 1 homozygote.

Submissions (4):

Labcorp Genetics (formerly Invitae), Labcorp
Classification: Likely benign. Last evaluated: 2025-02-24. Review status: criteria provided, single submitter. Criteria: Invitae Variant Classification Sherloc (09022015). Collection method: clinical testing. Allele origin: germline.

Blueprint Genetics
Classification: Likely benign. Last evaluated: 2024-10-18. Review status: criteria provided, single submitter. Criteria: ACMG Guidelines, 2015. Collection method: clinical testing. Allele origin: germline.

CeGaT Center for Human Genetics Tuebingen
Classification: Likely benign. Last evaluated: 2024-04-01. Review status: criteria provided, single submitter. Criteria: CeGaT Center For Human Genetics Tuebingen Variant Classification Criteria Version 2. Collection method: clinical testing. Allele origin: germline. Affected: yes. Observed: 2 variant alleles.
Comment: KMT2C: BP4

PreventionGenetics, part of Exact Sciences
Classification: Likely benign for KMT2C-related condition. Last evaluated: 2022-06-29. Review status: no assertion criteria provided. Collection method: clinical testing. Allele origin: germline. Not counted in ClinVar's aggregate classification.
Comment: This variant is classified as likely benign based on ACMG/AMP sequence variant interpretation guidelines (Richards et al. 2015 PMID: 25741868, with internal and published modifications).